The following is an entry in ClinVar:

NM_005120.3(MED12):c.6241CAG[4] (p.Gln2085_Gln2086del)

Gene: MED12 (mediator complex subunit 12; plus strand). Cytogenetic location: Xq13.1.
Variant type: Microsatellite.
Coding change: c.6241CAG[4] on transcript NM_005120.3 (MANE Select); four copies in a row of the 3-base unit CAG starting at c.6241; the reference has six copies in a row; two copies, 6 bases deleted.
Protein change: p.Gln2085_Gln2086del.
Molecular consequence: inframe deletion.
Genome position (GRCh38, 1-based): chrX:71,140,843-71,140,848, CAGCAG deleted; deleting any 6 consecutive bases within chrX:71,140,830-71,140,848 gives the same sequence; the position shown is the placement nearest the transcript's 3' end. VCF-style (leftmost placement, unchanged base first): chrX-71140829-GGCAGCA-G. GRCh37 (hg19) VCF-style: chrX-70360679-GGCAGCA-G.
Identifiers: ClinVar variation 1475140 (VCV001475140.6), dbSNP rs786200971, ClinGen allele CA2579639512.

ClinVar aggregate classification (germline): Uncertain significance (1 of 4 stars; one submission).

Conditions:
FG syndrome (FGS). Identifiers: MedGen C0220769, MONDO:0002010.

Submission:

Labcorp Genetics (formerly Invitae), Labcorp
Classification: Uncertain significance for FG syndrome. Last evaluated: 2021-11-05. Review status: criteria provided, single submitter. Criteria: Invitae Variant Classification Sherloc (09022015). Collection method: clinical testing. Allele origin: germline.
Comment: This variant, c.6253_6258del, results in the deletion of 2 amino acid(s) of the MED12 protein (p.Gln2085_Gln2086del), but otherwise preserves the integrity of the reading frame. This variant is not present in population databases (gnomAD no frequency). This variant has not been reported in the literature in individuals affected with MED12-related conditions. Experimental studies and prediction algorithms are not available or were not evaluated, and the functional significance of this variant is currently unknown. In summary, the available evidence is currently insufficient to determine the role of this variant in disease. Therefore, it has been classified as a Variant of Uncertain Significance.